The following is an entry in ClinVar:

ClinVar aggregate classification (germline): Uncertain significance (1 of 4 stars; one submission).

gnomAD v4.1: 11 of 1,569,790 alleles (0.0007%); highest among the groups gnomAD compares: Non-Finnish European, 0.00095%; no homozygotes.

Submission:

Labcorp Genetics (formerly Invitae), Labcorp
Classification: Uncertain significance. Last evaluated: 2025-08-29. Review status: criteria provided, single submitter. Criteria: Invitae Variant Classification Sherloc (09022015). Collection method: clinical testing. Allele origin: germline.
Comment: This sequence change replaces alanine, which is neutral and non-polar, with threonine, which is neutral and polar, at codon 1897 of the RNF213 protein (p.Ala1897Thr). This variant is not present in population databases (gnomAD no frequency). This variant has not been reported in the literature in individuals affected with RNF213-related conditions. Invitae Evidence Modeling of protein sequence and biophysical properties (such as structural, functional, and spatial information, amino acid conservation, physicochemical variation, residue mobility, and thermodynamic stability) indicates that this missense variant is not expected to disrupt RNF213 protein function with a negative predictive value of 95%. In summary, the available evidence is currently insufficient to determine the role of this variant in disease. Therefore, it has been classified as a Variant of Uncertain Significance.

NM_001256071.3(RNF213):c.5689G>A (p.Ala1897Thr)

Gene: RNF213 (ring finger protein 213; plus strand). Cytogenetic location: 17q25.3.
Variant type: single nucleotide variant.
Coding change: c.5689G>A on transcript NM_001256071.3 (MANE Select); coding-DNA position 5689, G replaced by A.
Protein change: p.Ala1897Thr; replaces alanine 1897 with threonine.
Molecular consequence: missense variant.
Genome position (GRCh38, 1-based): chr17:80,340,056, G>A. VCF-style: chr17-80340056-G-A. GRCh37 (hg19) VCF-style: chr17-78313856-G-A.
Other names: c.5836G>A, p.Ala1946Thr (NM_001410195.1, NM_020914.5); short protein forms A1946T, A1897T.
Identifiers: ClinVar variation 4700187 (VCV004700187.1).